The following is an entry in ClinVar:

NM_006164.5(NFE2L2):c.1701G>A (p.Met567Ile)

Gene: NFE2L2 (NFE2 like bZIP transcription factor 2; minus strand). Cytogenetic location: 2q31.2.
Variant type: single nucleotide variant.
Coding change: c.1701G>A on transcript NM_006164.5 (MANE Select); coding-DNA position 1701, G replaced by A.
Protein change: p.Met567Ile; replaces methionine 567 with isoleucine.
Molecular consequence: missense variant.
Genome position (GRCh38, 1-based): chr2:177,230,902, C>T on the plus strand (G>A on the coding strand, the complement: NFE2L2 is on the minus strand). VCF-style: chr2-177230902-C-T. GRCh37 (hg19) VCF-style: chr2-178095630-C-T.
Other names: c.1653G>A, p.Met551Ile (NM_001145412.3, NM_001313900.1, NM_001313901.1); c.1632G>A, p.Met544Ile (NM_001145413.3); c.1611G>A, p.Met537Ile (NM_001313902.2); c.1482G>A, p.Met494Ile (NM_001313903.2); c.1401G>A, p.Met467Ile (NM_001313904.1); short protein forms M551I, M494I, M537I, M567I, M467I, M544I.
Identifiers: ClinVar variation 3654673 (VCV003654673.2).
Genomic context (GRCh38, chr2:177,230,902, plus strand): 5'-TCTTGTTTGCTGCAGGGAGTATTCACTAGGAGAATAAGGTTTTCCATCTTCATCACGTAG[C>T]ATGCTGAAAACTTCGAGATATAAGGTGCTGAGTTGTTTTTTCAGTAGGTGAAGGCTTTTG-3'
Protein context (NP_006155.2, residues 557-577): LSTLYLEVFS[Met567Ile]LRDEDGKPYS

ClinVar aggregate classification (germline): Uncertain significance (1 of 4 stars; one submission).

Submission:

Labcorp Genetics (formerly Invitae), Labcorp
Classification: Uncertain significance. Last evaluated: 2025-06-16. Review status: criteria provided, single submitter. Criteria: Invitae Variant Classification Sherloc (09022015). Collection method: clinical testing. Allele origin: germline.
Comment: This sequence change replaces methionine, which is neutral and non-polar, with isoleucine, which is neutral and non-polar, at codon 567 of the NFE2L2 protein (p.Met567Ile). This variant is not present in population databases (gnomAD no frequency). This variant has not been reported in the literature in individuals affected with NFE2L2-related conditions. ClinVar contains an entry for this variant (Variation ID: 3654673). Invitae Evidence Modeling of protein sequence and biophysical properties (such as structural, functional, and spatial information, amino acid conservation, physicochemical variation, residue mobility, and thermodynamic stability) indicates that this missense variant is expected to disrupt NFE2L2 protein function with a positive predictive value of 80%. In summary, the available evidence is currently insufficient to determine the role of this variant in disease. Therefore, it has been classified as a Variant of Uncertain Significance.